The following is an entry in ClinVar:

ClinVar aggregate classification (germline): Uncertain significance (1 of 4 stars; one submission).

Conditions:
Primary dilated cardiomyopathy (DCM). Also called: Dilated Cardiomyopathy. Identifiers: Orphanet 217604, MedGen C0007193, MeSH D002311, MONDO:0005021, HP:0001644. Inheritance: Various modes of inheritance.

gnomAD v4.1: 2 of 1,614,098 alleles (0.00012%); highest among the groups gnomAD compares: Non-Finnish European, 0.00017%; no homozygotes.

Submission:

Labcorp Genetics (formerly Invitae), Labcorp
Classification: Uncertain significance for Primary dilated cardiomyopathy. Last evaluated: 2020-04-02. Review status: criteria provided, single submitter. Criteria: Invitae Variant Classification Sherloc (09022015). Collection method: clinical testing. Allele origin: germline.
Comment: This variant is not present in population databases (ExAC no frequency). In summary, the available evidence is currently insufficient to determine the role of this variant in disease. Therefore, it has been classified as a Variant of Uncertain Significance. Algorithms developed to predict the effect of missense changes on protein structure and function are either unavailable or do not agree on the potential impact of this missense change (SIFT: "Deleterious"; PolyPhen-2: "Probably Damaging"; Align-GVGD: "Class C0"). This variant has not been reported in the literature in individuals with NEBL-related conditions. This sequence change replaces glutamine with histidine at codon 985 of the NEBL protein (p.Gln985His). The glutamine residue is highly conserved and there is a small physicochemical difference between glutamine and histidine.

NM_006393.3(NEBL):c.2955G>T (p.Gln985His)

Gene: NEBL (nebulette; minus strand). Cytogenetic location: 10p12.31.
Variant type: single nucleotide variant.
Coding change: c.2955G>T on transcript NM_006393.3 (MANE Select); coding-DNA position 2955, G replaced by T.
Protein change: p.Gln985His; replaces glutamine 985 with histidine.
Molecular consequence: missense variant. On other transcripts: 3 prime UTR variant (1).
Genome position (GRCh38, 1-based): chr10:20,785,837, C>A on the plus strand (G>T on the coding strand, the complement: NEBL is on the minus strand). VCF-style: chr10-20785837-C-A. GRCh37 (hg19) VCF-style: chr10-21074766-C-A.
Other names: c.*46G>T (NM_001173484.2); c.816G>T, p.Gln272His (NM_001377322.1); c.675G>T, p.Gln225His (NM_001377323.1); c.666G>T, p.Gln222His (NM_001377324.1); c.657G>T, p.Gln219His (NM_001377325.1); c.615G>T, p.Gln205His (NM_001377326.1, NM_001377327.1, NM_001377328.1); c.723G>T, p.Gln241His (NM_213569.2); short protein forms Q205H, Q219H, Q222H, Q225H, Q241H, Q272H, Q985H.
Identifiers: ClinVar variation 1026451 (VCV001026451.9), dbSNP rs201571938, ClinGen allele CA376092178.